The following is an entry in ClinVar:

NM_014159.7(SETD2):c.3896A>C (p.Tyr1299Ser)

Gene: SETD2 (SET domain containing 2, histone lysine methyltransferase; minus strand). Cytogenetic location: 3p21.31.
Variant type: single nucleotide variant.
Coding change: c.3896A>C on transcript NM_014159.7 (MANE Select); coding-DNA position 3896, A replaced by C.
Protein change: p.Tyr1299Ser; replaces tyrosine 1299 with serine.
Molecular consequence: missense variant. On other transcripts: non-coding transcript variant (1).
Genome position (GRCh38, 1-based): chr3:47,120,740, T>G on the plus strand (A>C on the coding strand, the complement: SETD2 is on the minus strand). VCF-style: chr3-47120740-T-G. GRCh37 (hg19) VCF-style: chr3-47162230-T-G.
Other names: c.3764A>C, p.Tyr1255Ser (NM_001349370.3); short protein forms Y1255S, Y1299S.
Identifiers: ClinVar variation 1310701 (VCV001310701.2), dbSNP rs2107745387, ClinGen allele CA352519774.

ClinVar aggregate classification (germline): Uncertain significance (1 of 4 stars; one submission).

Submission:

GeneDx
Classification: Uncertain significance. Last evaluated: 2019-11-25. Review status: criteria provided, single submitter. Criteria: GeneDx Variant Classification Process June 2021. Collection method: clinical testing. Allele origin: germline. Affected: yes.
Comment: Not observed in large population cohorts (Lek et al., 2016); In silico analysis, which includes protein predictors and evolutionary conservation, supports a deleterious effect; Has not been previously published as pathogenic or benign to our knowledge